The following is an entry in ClinVar:

ClinVar aggregate classification (germline): Uncertain significance (1 of 4 stars; one submission).

gnomAD v4.1: 6 of 1,614,188 alleles (0.00037%); highest among the groups gnomAD compares: Admixed American, 0.0083%; no homozygotes.

Submission:

Labcorp Genetics (formerly Invitae), Labcorp
Classification: Uncertain significance. Last evaluated: 2024-02-24. Review status: criteria provided, single submitter. Criteria: Invitae Variant Classification Sherloc (09022015). Collection method: clinical testing. Allele origin: germline.
Comment: This sequence change replaces aspartic acid, which is acidic and polar, with valine, which is neutral and non-polar, at codon 1913 of the NIN protein (p.Asp1913Val). This variant is present in population databases (rs760727018, gnomAD 0.009%). This variant has not been reported in the literature in individuals affected with NIN-related conditions. An algorithm developed to predict the effect of missense changes on protein structure and function (PolyPhen-2) suggests that this variant is likely to be tolerated. In summary, the available evidence is currently insufficient to determine the role of this variant in disease. Therefore, it has been classified as a Variant of Uncertain Significance.

NM_020921.4(NIN):c.5738A>T (p.Asp1913Val)

Gene: NIN (ninein; minus strand). Cytogenetic location: 14q22.1.
Variant type: single nucleotide variant.
Coding change: c.5738A>T on transcript NM_020921.4 (MANE Select); coding-DNA position 5738, A replaced by T.
Protein change: p.Asp1913Val; replaces aspartic acid 1913 with valine.
Molecular consequence: missense variant.
Genome position (GRCh38, 1-based): chr14:50,738,177, T>A on the plus strand (A>T on the coding strand, the complement: NIN is on the minus strand). VCF-style: chr14-50738177-T-A. GRCh37 (hg19) VCF-style: chr14-51204895-T-A.
Other names: c.3599A>T, p.Asp1200Val (NM_016350.5); c.5738A>T, p.Asp1913Val (NM_182944.3, NM_182946.2); short protein forms D1200V, D1913V.
Identifiers: ClinVar variation 3622500 (VCV003622500.2).